The following is an entry in ClinVar:

ClinVar aggregate classification (germline): Uncertain significance (1 of 4 stars; one submission).

Conditions:
Hereditary cancer-predisposing syndrome. Also called: Neoplastic Syndromes, Hereditary; Tumor predisposition; Hereditary Cancer Syndrome; Hereditary neoplastic syndrome. Identifiers: Orphanet 140162, MedGen C0027672, MeSH D009386, MONDO:0015356.

Submission:

Ambry Genetics
Classification: Uncertain significance for Hereditary cancer-predisposing syndrome. Last evaluated: 2022-06-27. Review status: criteria provided, single submitter. Criteria: Ambry Variant Classification Scheme 2023. Collection method: clinical testing. Allele origin: germline.
Comment: The p.L242V variant (also known as c.724C>G), located in coding exon 7 of the EPCAM gene, results from a C to G substitution at nucleotide position 724. The leucine at codon 242 is replaced by valine, an amino acid with highly similar properties. This amino acid position is conserved. In addition, this alteration is predicted to be tolerated by in silico analysis. Since supporting evidence is limited at this time, the clinical significance of this alteration remains unclear.

NM_002354.3(EPCAM):c.724C>G (p.Leu242Val)

Gene: EPCAM (epithelial cell adhesion molecule; plus strand). Cytogenetic location: 2p21.
Variant type: single nucleotide variant.
Coding change: c.724C>G on transcript NM_002354.3 (MANE Select); coding-DNA position 724, C replaced by G.
Protein change: p.Leu242Val; replaces leucine 242 with valine.
Molecular consequence: missense variant.
Genome position (GRCh38, 1-based): chr2:47,379,835, C>G. VCF-style: chr2-47379835-C-G. GRCh37 (hg19) VCF-style: chr2-47606974-C-G.
Other names: short protein forms L242V.
Identifiers: ClinVar variation 1757902 (VCV001757902.2), dbSNP rs2103758951, ClinGen allele CA346724464.
Genomic context (GRCh38, chr2:47,379,835, plus strand): 5'-GGTGAATCCTTGTTTCATTCTAAGAAAATGGACCTGACAGTAAATGGGGAACAACTGGAT[C>G]TGGATCCTGGTCAAACTTTAATTTATTATGTTGATGAAAAAGCACCTGAATTCTCAATGC-3'
Protein context (NP_002345.2, residues 232-252): DLTVNGEQLD[Leu242Val]DPGQTLIYYV